The following is an entry in ClinVar:

ClinVar aggregate classification (germline): Likely pathogenic (1 of 4 stars; one submission).

Conditions:
Peroxisome biogenesis disorder 14B (PEX14B). Identifiers: Orphanet 44, MedGen C3554055, MONDO:0013967, OMIM 614920.

Allele frequency attached by ClinVar (database versions not stated): gnomAD exomes below 0.00001; TOPMed below 0.00001.

Submission:

Neuberg Centre For Genomic Medicine, NCGM
Classification: Likely pathogenic for Peroxisome biogenesis disorder 14B. Review status: criteria provided, single submitter. Criteria: ACMG Guidelines, 2015. Collection method: clinical testing. Allele origin: germline. Inheritance: Autosomal recessive inheritance. Affected: yes.
Comment: The stop gained (c.124C>T) variant has not been reported previously as a pathogenic variant nor as a benign variant, to our knowledge. The c.124C>T variant is novel (not in any individuals) in 1000 Genomes and has allele frequency of 0.0004% in gnomAD database. This variant is predicted to cause loss of normal protein function through protein truncation. Loss of function variants have been previously reported to be disease causing. For these reasons, this variant has been classified as Likely Pathogenic.

NM_003846.3(PEX11B):c.124C>T (p.Gln42Ter)

Gene: PEX11B (peroxisomal biogenesis factor 11 beta; minus strand). Cytogenetic location: 1q21.1.
Variant type: single nucleotide variant.
Coding change: c.124C>T on transcript NM_003846.3 (MANE Select); coding-DNA position 124, C replaced by T.
Protein change: p.Gln42Ter; replaces glutamine 42 with a stop codon.
Molecular consequence: nonsense. On other transcripts: non-coding transcript variant (3).
Genome position (GRCh38, 1-based): chr1:145,917,749, G>A on the plus strand (C>T on the coding strand, the complement: PEX11B is on the minus strand). VCF-style: chr1-145917749-G-A. GRCh37 (hg19) VCF-style: chr1-145517340-C-T.
Other names: c.82C>T, p.Gln28Ter (NM_001184795.1); short protein forms Q28*, Q42*.
Identifiers: ClinVar variation 2584929 (VCV002584929.1), dbSNP rs1553754148, ClinGen allele CA342124215.